The following is an entry in ClinVar:

NM_000038.6(APC):c.3735_3736insTGCCTCAAAAG (p.Ala1246fs)

Gene: APC (APC regulator of Wnt signaling pathway; plus strand). Cytogenetic location: 5q22.2.
Variant type: Insertion.
Coding change: c.3735_3736insTGCCTCAAAAG on transcript NM_000038.6 (MANE Select); coding-DNA positions 3735 to 3736, TGCCTCAAAAG inserted.
Protein change: p.Ala1246fs; shifts the reading frame from alanine 1246.
Molecular consequence: frameshift variant.
Genome position: GRCh38 VCF-style: chr5-112839319-A-AGCCTCAAAAGT. GRCh37 (hg19) VCF-style: chr5-112175016-A-AGCCTCAAAAGT.
Other names: c.3735_3736insTGCCTCAAAAG, p.Ala1246fs (NM_001127510.3, NM_001354895.2); c.3681_3682insTGCCTCAAAAG, p.Ala1228fs (NM_001127511.3); c.3789_3790insTGCCTCAAAAG, p.Ala1264fs (NM_001354896.2); c.3765_3766insTGCCTCAAAAG, p.Ala1256fs (NM_001354897.2); c.3660_3661insTGCCTCAAAAG, p.Ala1221fs (NM_001354898.2); c.3651_3652insTGCCTCAAAAG, p.Ala1218fs (NM_001354899.2); c.3612_3613insTGCCTCAAAAG, p.Ala1205fs (NM_001354900.2); c.3558_3559insTGCCTCAAAAG, p.Ala1187fs (NM_001354901.2); and 5 more; short protein forms A1086fs, A1205fs, A1187fs, A963fs, A1120fs, A1145fs, A1155fs, A1218fs.
Identifiers: ClinVar variation 1394052 (VCV001394052.8), dbSNP rs2149897853, ClinGen allele CA2573138695.

ClinVar aggregate classification (germline): Pathogenic (1 of 4 stars; one submission).

Conditions:
Familial adenomatous polyposis 1 (FAP1). Also called: FAMILIAL ADENOMATOUS POLYPOSIS 1, ATTENUATED; POLYPOSIS, ADENOMATOUS INTESTINAL. Identifiers: MedGen C2713442, MONDO:0021056, OMIM 175100. Disease mechanism: loss of function.

Submission:

Labcorp Genetics (formerly Invitae), Labcorp
Classification: Pathogenic for Familial adenomatous polyposis 1. Last evaluated: 2021-01-16. Review status: criteria provided, single submitter. Criteria: Invitae Variant Classification Sherloc (09022015). Collection method: clinical testing. Allele origin: germline.
Comment: This sequence change creates a premature translational stop signal (p.Ala1246Cysfs*23) in the APC gene. While this is not anticipated to result in nonsense mediated decay, it is expected to disrupt the last 1598 amino acid(s) of the APC protein. This variant is not present in population databases (ExAC no frequency). This variant has not been reported in the literature in individuals with APC-related conditions. This variant is expected to disrupt the EB1 and HDLG binding sites, which mediate interactions with the cytoskeleton (PMID: 15311282, 17293347). While functional studies have not been performed to directly test the effect on APC protein function, this suggests that disruption of the C-terminal portion of the protein is functionally important. For these reasons, this variant has been classified as Pathogenic. A different truncation (p.Tyr2645Lysfs*14) that lies downstream of this variant has been determined to be pathogenic (PMID: 9824584, 1316610, 27081525, 8381579, 22135120, Invitae). This suggests that deletion of this region of the APC protein is causative of disease.

Literature cited by the submitters: PubMed 15311282; PubMed 17293347; PubMed 9824584; PubMed 1316610; PubMed 27081525; PubMed 8381579; PubMed 22135120.